The following is an entry in ClinVar:

NM_000486.6(AQP2):c.792C>G (p.Ser264Arg)

Genes: AQP2 (aquaporin 2; plus strand), AQP5-AS1 (AQP5 and AQP2 antisense RNA 2; minus strand). Cytogenetic location: 12q13.12.
Variant type: single nucleotide variant.
Coding change: c.792C>G on transcript NM_000486.6 (MANE Select); coding-DNA position 792, C replaced by G.
Protein change: p.Ser264Arg; replaces serine 264 with arginine.
Molecular consequence: missense variant.
Genome position (GRCh38, 1-based): chr12:49,955,584, C>G. VCF-style: chr12-49955584-C-G. GRCh37 (hg19) VCF-style: chr12-50349367-C-G.
Other names: short protein forms S264R.
Identifiers: ClinVar variation 2853018 (VCV002853018.3), dbSNP rs2547999074, ClinGen allele CA384776223.

ClinVar aggregate classification (germline): Uncertain significance (1 of 4 stars; one submission).

Allele frequency attached by ClinVar (database versions not stated): gnomAD exomes below 0.00001.
gnomAD v4.1: 1 of 1,580,216 alleles (0.000063%); highest among the groups gnomAD compares: Admixed American, 0.0018%; no homozygotes.

Submission:

Labcorp Genetics (formerly Invitae), Labcorp
Classification: Uncertain significance. Last evaluated: 2023-04-07. Review status: criteria provided, single submitter. Criteria: Invitae Variant Classification Sherloc (09022015). Collection method: clinical testing. Allele origin: germline.
Comment: This sequence change replaces serine, which is neutral and polar, with arginine, which is basic and polar, at codon 264 of the AQP2 protein (p.Ser264Arg). This variant is not present in population databases (gnomAD no frequency). This variant has not been reported in the literature in individuals affected with AQP2-related conditions. Advanced modeling of protein sequence and biophysical properties (such as structural, functional, and spatial information, amino acid conservation, physicochemical variation, residue mobility, and thermodynamic stability) performed at Invitae indicates that this missense variant is not expected to disrupt AQP2 protein function. In summary, the available evidence is currently insufficient to determine the role of this variant in disease. Therefore, it has been classified as a Variant of Uncertain Significance.